The following is an entry in ClinVar:

NM_022437.3(ABCG8):c.338C>G (p.Ser113Cys)

Gene: ABCG8 (ATP binding cassette subfamily G member 8; plus strand). Cytogenetic location: 2p21.
Variant type: single nucleotide variant.
Coding change: c.338C>G on transcript NM_022437.3 (MANE Select); coding-DNA position 338, C replaced by G.
Protein change: p.Ser113Cys; replaces serine 113 with cysteine.
Molecular consequence: missense variant.
Genome position (GRCh38, 1-based): chr2:43,851,599, C>G. VCF-style: chr2-43851599-C-G. GRCh37 (hg19) VCF-style: chr2-44078738-C-G.
Other names: c.338C>G, p.Ser113Cys (NM_001357321.2); short protein forms S113C.
Identifiers: ClinVar variation 3419188 (VCV003419188.1).

ClinVar aggregate classification (germline): Uncertain significance (1 of 4 stars; one submission).

Conditions:
Cardiovascular phenotype. Identifiers: MedGen CN230736.

Submission:

Ambry Genetics
Classification: Uncertain significance for Cardiovascular phenotype. Last evaluated: 2024-08-07. Review status: criteria provided, single submitter. Criteria: Ambry Variant Classification Scheme 2023. Collection method: clinical testing. Allele origin: germline.
Comment: The p.S113C variant (also known as c.338C>G), located in coding exon 4 of the ABCG8 gene, results from a C to G substitution at nucleotide position 338. The serine at codon 113 is replaced by cysteine, an amino acid with dissimilar properties. This amino acid position is conserved. In addition, the in silico prediction for this alteration is inconclusive. Based on the available evidence, the clinical significance of this variant remains unclear.